The following is an entry in ClinVar:

ClinVar aggregate classification (germline): Uncertain significance. Review status: criteria provided, multiple submitters, no conflicts (2 of 4 stars). 2 submissions from 2 submitters: Uncertain significance (2). Last evaluated 2025-12-24.

Conditions:
Hereditary cancer-predisposing syndrome. Also called: Neoplastic Syndromes, Hereditary; Tumor predisposition; Hereditary neoplastic syndrome; Hereditary Cancer Syndrome. Identifiers: Orphanet 140162, MedGen C0027672, MeSH D009386, MONDO:0015356.
Multiple endocrine neoplasia type 4. Also called: MULTIPLE ENDOCRINE NEOPLASIA, TYPE IV. Identifiers: Orphanet 276152, MedGen C1970712, MONDO:0012552, OMIM 610755.

Submissions (2):

Labcorp Genetics (formerly Invitae), Labcorp
Classification: Uncertain significance for Multiple endocrine neoplasia type 4. Last evaluated: 2025-12-24. Review status: criteria provided, single submitter. Criteria: Invitae Variant Classification Sherloc (09022015). Collection method: clinical testing. Allele origin: germline.
Comment: This sequence change replaces threonine, which is neutral and polar, with arginine, which is basic and polar, at codon 198 of the CDKN1B protein (p.Thr198Arg). This variant is not present in population databases (gnomAD no frequency). This variant has not been reported in the literature in individuals affected with CDKN1B-related conditions. ClinVar contains an entry for this variant (Variation ID: 1750610). An algorithm developed to predict the effect of missense changes on protein structure and function (PolyPhen-2) suggests that this variant is likely to be disruptive. Algorithms developed to predict the effect of sequence changes on RNA splicing suggest that this variant may disrupt the consensus splice site. In summary, the available evidence is currently insufficient to determine the role of this variant in disease. Therefore, it has been classified as a Variant of Uncertain Significance.

Ambry Genetics
Classification: Uncertain significance for Hereditary cancer-predisposing syndrome. Last evaluated: 2021-05-20. Review status: criteria provided, single submitter. Criteria: Ambry Variant Classification Scheme 2023. Collection method: clinical testing. Allele origin: germline.
Comment: The p.T198R variant (also known as c.593C>G), located in coding exon 2 of the CDKN1B gene, results from a C to G substitution at nucleotide position 593. The threonine at codon 198 is replaced by arginine, an amino acid with similar properties. This amino acid position is highly conserved in available vertebrate species. In addition, the in silico prediction for this alteration is inconclusive. Since supporting evidence is limited at this time, the clinical significance of this alteration remains unclear.

NM_004064.5(CDKN1B):c.593C>G (p.Thr198Arg)

Gene: CDKN1B (cyclin dependent kinase inhibitor 1B; plus strand). Cytogenetic location: 12p13.1.
Variant type: single nucleotide variant.
Coding change: c.593C>G on transcript NM_004064.5 (MANE Select); coding-DNA position 593, C replaced by G.
Protein change: p.Thr198Arg; replaces threonine 198 with arginine.
Molecular consequence: missense variant.
Genome position (GRCh38, 1-based): chr12:12,718,942, C>G. VCF-style: chr12-12718942-C-G. GRCh37 (hg19) VCF-style: chr12-12871876-C-G.
Other names: short protein forms T198R.
Identifiers: ClinVar variation 1750610 (VCV001750610.7), dbSNP rs1197510010, ClinGen allele CA383973243.